The following is an entry in ClinVar:

NM_001017974.2(P4HA2):c.339C>T (p.Ile113=)

Gene: P4HA2 (prolyl 4-hydroxylase subunit alpha 2; minus strand). Cytogenetic location: 5q31.1.
Variant type: single nucleotide variant.
Coding change: c.339C>T on transcript NM_001017974.2 (MANE Select); coding-DNA position 339, C replaced by T.
Protein change: p.Ile113=; no amino-acid change (isoleucine 113 retained).
Molecular consequence: synonymous variant.
Genome position (GRCh38, 1-based): chr5:132,214,046, G>A on the plus strand (C>T on the coding strand, the complement: P4HA2 is on the minus strand). VCF-style: chr5-132214046-G-A. GRCh37 (hg19) VCF-style: chr5-131549739-G-A.
Other names: c.339C>T, p.Ile113= (NM_001017973.1, NM_001142598.2, NM_001142599.2 and 6 more transcripts).
Identifiers: ClinVar variation 3035078 (VCV003035078.2), dbSNP rs34435009, ClinGen allele CA3402744.

ClinVar aggregate classification (germline): Likely benign (0 of 4 stars; one submission).

Conditions:
P4HA2-related disorder. Also called: P4HA2-related condition.

Allele frequency attached by ClinVar (database versions not stated): ExAC 0.00002; gnomAD 0.00007; ESP Exome Variant Server 0.00008; TOPMed 0.00008; 1000 Genomes Project 0.00020; 1000 Genomes Project 30x 0.00031.

Submission:

PreventionGenetics, part of Exact Sciences
Classification: Likely benign for P4HA2-related condition. Last evaluated: 2019-08-09. Review status: no assertion criteria provided. Collection method: clinical testing. Allele origin: germline.
Comment: This variant is classified as likely benign based on ACMG/AMP sequence variant interpretation guidelines (Richards et al. 2015 PMID: 25741868, with internal and published modifications).